The following is an entry in ClinVar:

ClinVar aggregate classification (germline): Uncertain significance (1 of 4 stars; one submission).

Allele frequency attached by ClinVar (database versions not stated): gnomAD exomes below 0.00001.
gnomAD v4.1: 1 of 1,613,148 alleles (0.000062%); highest among the groups gnomAD compares: Non-Finnish European, 0.000085%; no homozygotes.

Submission:

Labcorp Genetics (formerly Invitae), Labcorp
Classification: Uncertain significance. Last evaluated: 2022-07-20. Review status: criteria provided, single submitter. Criteria: Invitae Variant Classification Sherloc (09022015). Collection method: clinical testing. Allele origin: germline.
Comment: In summary, the available evidence is currently insufficient to determine the role of this variant in disease. Therefore, it has been classified as a Variant of Uncertain Significance. Advanced modeling of protein sequence and biophysical properties (such as structural, functional, and spatial information, amino acid conservation, physicochemical variation, residue mobility, and thermodynamic stability) performed at Invitae indicates that this missense variant is not expected to disrupt LRP2 protein function. This variant has not been reported in the literature in individuals affected with LRP2-related conditions. This variant is not present in population databases (gnomAD no frequency). This sequence change replaces asparagine, which is neutral and polar, with aspartic acid, which is acidic and polar, at codon 250 of the LRP2 protein (p.Asn250Asp).

NM_004525.3(LRP2):c.748A>G (p.Asn250Asp)

Gene: LRP2 (LDL receptor related protein 2; minus strand). Cytogenetic location: 2q31.1.
Variant type: single nucleotide variant.
Coding change: c.748A>G on transcript NM_004525.3 (MANE Select); coding-DNA position 748, A replaced by G.
Protein change: p.Asn250Asp; replaces asparagine 250 with aspartic acid.
Molecular consequence: missense variant.
Genome position (GRCh38, 1-based): chr2:169,292,274, T>C on the plus strand (A>G on the coding strand, the complement: LRP2 is on the minus strand). VCF-style: chr2-169292274-T-C. GRCh37 (hg19) VCF-style: chr2-170148784-T-C.
Other names: short protein forms N250D.
Identifiers: ClinVar variation 1927831 (VCV001927831.5), dbSNP rs2528560089, ClinGen allele CA349159748.
Genomic context (GRCh38, chr2:169,292,274, plus strand): 5'-AGAAAATGCTTTTCAGTAGGAATCTCTTCCCCTCCTTACCACATCCATCTTCATCTCCAT[T>C]ATCTTTACAGTCATCTTCTCCATCACAAACCCAGTTTTGATAAATGCATCGGCCACTGGG-3'
Protein context (NP_004516.2, residues 240-260): VCDGEDDCKD[Asn250Asp]GDEDGCESGP